The following is an entry in ClinVar:

NM_001142800.2(EYS):c.6541del (p.Thr2181fs)

Gene: EYS (EGF-like photoreceptor maintenance factor; minus strand). Cytogenetic location: 6q12.
Variant type: Deletion.
Coding change: c.6541del on transcript NM_001142800.2 (MANE Select); coding-DNA position 6541, one base deleted (A; older notation c.6541delA).
Protein change: p.Thr2181fs; shifts the reading frame from threonine 2181.
Molecular consequence: frameshift variant.
Genome position (GRCh38, 1-based): chr6:64,081,886, T deleted on the plus strand (A on the coding strand, the reverse complement: EYS is on the minus strand); the first of 5 consecutive T bases (chr6:64,081,886-64,081,890); deleting any one gives the same sequence. VCF-style (leftmost placement, unchanged base first): chr6-64081885-GT-G. GRCh37 (hg19) VCF-style: chr6-64791778-GT-G.
Other names: c.6541del, p.Thr2181fs (NM_001292009.2); short protein forms T2181fs.
Identifiers: ClinVar variation 3650104 (VCV003650104.2).

ClinVar aggregate classification (germline): Pathogenic (1 of 4 stars; one submission).

Submission:

Labcorp Genetics (formerly Invitae), Labcorp
Classification: Pathogenic. Last evaluated: 2024-12-04. Review status: criteria provided, single submitter. Criteria: Invitae Variant Classification Sherloc (09022015). Collection method: clinical testing. Allele origin: germline.
Comment: This sequence change creates a premature translational stop signal (p.Thr2181Glnfs*4) in the EYS gene. It is expected to result in an absent or disrupted protein product. Loss-of-function variants in EYS are known to be pathogenic (PMID: 18836446, 20333770). This variant is not present in population databases (gnomAD no frequency). This premature translational stop signal has been observed in individual(s) with retinitis pigmentosa (PMID: 35109811). For these reasons, this variant has been classified as Pathogenic.

Literature cited by the submitters: PubMed 18836446; PubMed 20333770; PubMed 35109811.